The following is an entry in ClinVar:

NM_017849.4(TMEM127):c.-132+17G>A

Genes: TMEM127 (transmembrane protein 127; minus strand), LOC129934335 (ATAC-STARR-seq lymphoblastoid silent region 11761; plus strand). Cytogenetic location: 2q11.2.
Variant type: single nucleotide variant.
Coding change: c.-132+17G>A on transcript NM_017849.4 (MANE Select); 17 bases into the intron after 132 bases upstream of the start codon, G replaced by A.
Molecular consequence: intron variant.
Genome position (GRCh38, 1-based): chr2:96,265,852, C>T on the plus strand (G>A on the coding strand, the complement: TMEM127 is on the minus strand). VCF-style: chr2-96265852-C-T. GRCh37 (hg19) VCF-style: chr2-96931590-C-T.
Other names: c.-109+17G>A (NM_001193304.3).
Identifiers: ClinVar variation 385513 (VCV000385513.1), dbSNP rs72937660, ClinGen allele CA16604417.

ClinVar aggregate classification (germline): Likely benign (1 of 4 stars; one submission).

Allele frequency attached by ClinVar (database versions not stated): gnomAD exomes 0.00040; gnomAD 0.00250 and 0.00263; TOPMed 0.00280; 1000 Genomes Project 0.00339; 1000 Genomes Project 30x 0.00406.
gnomAD v4.1: 384 of 173,906 alleles (0.22%); highest among the groups gnomAD compares: African/African-American, 0.84%; 2 homozygotes.

Submission:

GeneDx
Classification: Likely benign. Last evaluated: 2016-04-12. Review status: criteria provided, single submitter. Criteria: GeneDx Variant Classification (06012015). Collection method: clinical testing. Allele origin: germline. Affected: yes.
Comment: This variant is considered likely benign or benign based on one or more of the following criteria: it is a conservative change, it occurs at a poorly conserved position in the protein, it is predicted to be benign by multiple in silico algorithms, and/or has population frequency not consistent with disease.